The following is an entry in ClinVar:

ClinVar aggregate classification (germline): Uncertain significance (1 of 4 stars; one submission).

Submission:

CeGaT Center for Human Genetics Tuebingen
Classification: Uncertain significance. Last evaluated: 2025-10-01. Review status: criteria provided, single submitter. Criteria: CeGaT Center For Human Genetics Tuebingen Variant Classification Criteria Version 2. Collection method: clinical testing. Allele origin: germline. Affected: yes. Observed: 1 variant allele.
Comment: NUSAP1: PM2, PS2:Moderate

NM_016359.5(NUSAP1):c.1208dup (p.Tyr403Ter)

Gene: NUSAP1 (nucleolar and spindle associated protein 1; plus strand). Cytogenetic location: 15q15.1.
Variant type: Duplication.
Coding change: c.1208dup on transcript NM_016359.5 (MANE Select); coding-DNA position 1208, one base duplicated (A; older notation c.1208dupA).
Protein change: p.Tyr403Ter; replaces tyrosine 403 with a stop codon.
Molecular consequence: nonsense.
Genome position (GRCh38, 1-based): chr15:41,377,280, A duplicated. VCF-style (leftmost placement, unchanged base first): chr15-41377279-T-TA. GRCh37 (hg19) VCF-style: chr15-41669477-T-TA.
Other names: c.1205dup, p.Tyr402Ter (NM_018454.8, NM_001301136.2); c.1202dup, p.Tyr401Ter (NM_001243142.2); c.1163dup, p.Tyr388Ter (NM_001243143.2); c.1019dup, p.Tyr340Ter (NM_001243144.2); short protein forms Y340*, Y388*, Y401*, Y402*, Y403*.
Identifiers: ClinVar variation 4535042 (VCV004535042.6).
Genomic context (GRCh38, chr15:41,377,279, plus strand): 5'-TCTAAAGAAAATAATTATCTAAATCAACATGTCAACAGAATTAACTTCTACAAGAAAACT[T>TA]ACAAACAACCCCATCTCCAGACAAAGTAAGTACATAATTATCCAGCTTTATAATTATTTT-3'